The following is an entry in ClinVar:

NM_001145809.2(MYH14):c.206C>T (p.Ala69Val)

Gene: MYH14 (myosin heavy chain 14; plus strand). Cytogenetic location: 19q13.33.
Variant type: single nucleotide variant.
Coding change: c.206C>T on transcript NM_001145809.2 (MANE Select); coding-DNA position 206, C replaced by T.
Protein change: p.Ala69Val; replaces alanine 69 with valine.
Molecular consequence: missense variant.
Genome position (GRCh38, 1-based): chr19:50,210,571, C>T. VCF-style: chr19-50210571-C-T. GRCh37 (hg19) VCF-style: chr19-50713828-C-T.
Other names: c.206C>T, p.Ala69Val (NM_001077186.2, NM_024729.4); short protein forms A69V.
Identifiers: ClinVar variation 4982277 (VCV004982277.1).

ClinVar aggregate classification (germline): Uncertain significance (1 of 4 stars; one submission).

Conditions:
MYH14-related disorder. Also called: MYH14-related condition.

gnomAD v4.1: 11 of 1,578,264 alleles (0.0007%); highest among the groups gnomAD compares: East Asian, 0.007%; no homozygotes.

Submission:

PreventionGenetics, part of Exact Sciences
Classification: Uncertain significance for MYH14-related condition. Last evaluated: 2026-05-31. Review status: criteria provided, single submitter. Criteria: ACMG Guidelines, 2015. Collection method: clinical testing. Allele origin: germline.
Comment: The MYH14 c.206C>T variant is predicted to result in the amino acid substitution p.Ala69Val. To our knowledge, this variant has not been reported in the literature. This variant is reported in 0.0036% of alleles in individuals of Latino descent in gnomAD. At this time, the clinical significance of this variant is uncertain due to the absence of conclusive functional and genetic evidence.